The following is an entry in ClinVar:

ClinVar aggregate classification (germline): Likely pathogenic (1 of 4 stars; one submission).

Conditions:
Lamb-Shaffer syndrome. Identifiers: Orphanet 313884, Orphanet 313892, Orphanet 530983, MedGen C4225202, MONDO:0014778, OMIM 616803.

Submission:

Department of Human Genetics, Hannover Medical School
Classification: Likely pathogenic for Lamb-Shaffer syndrome. Last evaluated: 2025-01-17. Review status: criteria provided, single submitter. Criteria: ACMG Guidelines, 2015. Collection method: clinical testing. Allele origin: germline. Inheritance: Autosomal dominant inheritance. Affected: yes.
Comment: ACMG: PVS1_Strong, PM2_Supporting, PP1

NM_006940.6(SOX5):c.1869_1870dup (p.Lys624fs)

Gene: SOX5 (SRY-box transcription factor 5; minus strand). Cytogenetic location: 12p12.1.
Variant type: Microsatellite.
Coding change: c.1869_1870dup on transcript NM_006940.6 (MANE Select); coding-DNA positions 1869 to 1870, 2 bases duplicated (TA; older notation c.1869_1870dupTA).
Protein change: p.Lys624fs; shifts the reading frame from lysine 624.
Molecular consequence: frameshift variant.
Genome position (GRCh38, 1-based): chr12:23,536,571-23,536,572, TA duplicated on the plus strand (TA on the coding strand, the reverse complement: SOX5 is on the minus strand); duplicating any 2 consecutive bases within chr12:23,536,571-23,536,574 gives the same sequence; the c. name uses the placement nearest the transcript's 3' end. VCF-style (leftmost placement, unchanged base first): chr12-23536570-T-TTA. GRCh37 (hg19) VCF-style: chr12-23689504-T-TTA.
Other names: c.1506_1507dup, p.Lys503fs (NM_001261414.3); c.1839_1840dup, p.Lys614fs (NM_001261415.3); c.1764_1765dup, p.Lys589fs (NM_001330785.2); c.1830_1831dup, p.Lys611fs (NM_152989.5); c.711_712dup, p.Lys238fs (NM_178010.4); short protein forms K238fs, K503fs, K589fs, K611fs, K614fs, K624fs.
Identifiers: ClinVar variation 3572942 (VCV003572942.1).